The following is an entry in ClinVar:

ClinVar aggregate classification (germline): Uncertain significance (1 of 4 stars; one submission).

Conditions:
Aortic valve disease 2 (AOVD2). Identifiers: MedGen C3542024, MONDO:0013902, OMIM 614823.

gnomAD v4.1: 5 of 1,230,806 alleles (0.00041%); highest among the groups gnomAD compares: East Asian, 0.0033%; no homozygotes.

Submission:

Labcorp Genetics (formerly Invitae), Labcorp
Classification: Uncertain significance for Aortic valve disease 2. Last evaluated: 2024-06-11. Review status: criteria provided, single submitter. Criteria: Invitae Variant Classification Sherloc (09022015). Collection method: clinical testing. Allele origin: germline.
Comment: This sequence change creates a premature translational stop signal (p.Cys121*) in the SMAD6 gene. It is expected to result in an absent or disrupted protein product. However, the current clinical and genetic evidence is not sufficient to establish whether loss-of-function variants in SMAD6 cause disease. This variant is not present in population databases (gnomAD no frequency). This variant has not been reported in the literature in individuals affected with SMAD6-related conditions. In summary, the available evidence is currently insufficient to determine the role of this variant in disease. Therefore, it has been classified as a Variant of Uncertain Significance.

NM_005585.5(SMAD6):c.363C>A (p.Cys121Ter)

Gene: SMAD6 (SMAD family member 6; plus strand). Cytogenetic location: 15q22.31.
Variant type: single nucleotide variant.
Coding change: c.363C>A on transcript NM_005585.5 (MANE Select); coding-DNA position 363, C replaced by A.
Protein change: p.Cys121Ter; replaces cysteine 121 with a stop codon.
Molecular consequence: nonsense. On other transcripts: non-coding transcript variant (1).
Genome position (GRCh38, 1-based): chr15:66,703,621, C>A. VCF-style: chr15-66703621-C-A. GRCh37 (hg19) VCF-style: chr15-66995959-C-A.
Other names: short protein forms C121*.
Identifiers: ClinVar variation 3606072 (VCV003606072.2).